The following is an entry in ClinVar:

NM_198271.5(LMOD3):c.1584A>G (p.Pro528=)

Gene: LMOD3 (leiomodin 3; minus strand). Cytogenetic location: 3p14.1.
Variant type: single nucleotide variant.
Coding change: c.1584A>G on transcript NM_198271.5 (MANE Select); coding-DNA position 1584, A replaced by G.
Protein change: p.Pro528=; no amino-acid change (proline 528 retained).
Molecular consequence: synonymous variant.
Genome position (GRCh38, 1-based): chr3:69,118,771, T>C on the plus strand (A>G on the coding strand, the complement: LMOD3 is on the minus strand). VCF-style: chr3-69118771-T-C. GRCh37 (hg19) VCF-style: chr3-69167922-T-C.
Other names: c.1584A>G, p.Pro528= (NM_001304418.3).
Identifiers: ClinVar variation 763907 (VCV000763907.5), dbSNP rs941000557, ClinGen allele CA76451516.

ClinVar aggregate classification (germline): Likely benign. Review status: criteria provided, multiple submitters, no conflicts (2 of 4 stars). 2 submissions from 2 submitters: Likely benign (2). Last evaluated 2026-09-01.

Conditions:
Nemaline myopathy 10 (NEM10). Identifiers: MedGen C4015360, MONDO:0014513, OMIM 616165.

Allele frequency attached by ClinVar (database versions not stated): gnomAD 0.00001; TOPMed 0.00002; gnomAD exomes below 0.00001.
gnomAD v4.1: 6 of 1,611,534 alleles (0.00037%); highest among the groups gnomAD compares: Non-Finnish European, 0.00042%; no homozygotes.

Submissions (2):

CeGaT Center for Human Genetics Tuebingen
Classification: Likely benign. Last evaluated: 2026-09-01. Review status: criteria provided, single submitter. Criteria: CeGaT Center For Human Genetics Tuebingen Variant Classification Criteria Version 2. Collection method: clinical testing. Allele origin: germline. Affected: yes. Observed: 1 variant allele.
Comment: LMOD3: BP4, BP7

Labcorp Genetics (formerly Invitae), Labcorp
Classification: Likely benign for Nemaline myopathy 10. Last evaluated: 2025-05-07. Review status: criteria provided, single submitter. Criteria: Invitae Variant Classification Sherloc (09022015). Collection method: clinical testing. Allele origin: germline.